The following is an entry in ClinVar:

NM_005612.5(REST):c.3106C>T (p.Arg1036Trp)

Gene: REST (RE1 silencing transcription factor; plus strand). Cytogenetic location: 4q12.
Variant type: single nucleotide variant.
Coding change: c.3106C>T on transcript NM_005612.5 (MANE Select); coding-DNA position 3106, C replaced by T.
Protein change: p.Arg1036Trp; replaces arginine 1036 with tryptophan.
Molecular consequence: missense variant.
Genome position (GRCh38, 1-based): chr4:56,931,964, C>T. VCF-style: chr4-56931964-C-T. GRCh37 (hg19) VCF-style: chr4-57798130-C-T.
Other names: c.3106C>T, p.Arg1036Trp (NM_001193508.2, NM_001363453.3); short protein forms R1036W.
Identifiers: ClinVar variation 2911591 (VCV002911591.3), dbSNP rs201033957, ClinGen allele CA2932617.
Genomic context (GRCh38, chr4:56,931,964, plus strand): 5'-GGAAGTGACCTAAGTGACAACATGTCAGAGGGTAGTGATGATTCTGGATTGCATGGGGCT[C>T]GGCCAGTTCCACAAGAATCTAGCAGAAAAAATGCAAAGGAAGCCTTGGCAGTCAAAGCGG-3'
Protein context (NP_005603.3, residues 1026-1046): GSDDSGLHGA[Arg1036Trp]PVPQESSRKN

ClinVar aggregate classification (germline): Uncertain significance (1 of 4 stars; one submission).

Allele frequency attached by ClinVar (database versions not stated): gnomAD exomes 0.00003; TOPMed 0.00001; gnomAD 0.00003; ExAC 0.00004.
gnomAD v4.1: 45 of 1,614,192 alleles (0.0028%); highest among the groups gnomAD compares: East Asian, 0.0045%; no homozygotes.

Submission:

Labcorp Genetics (formerly Invitae), Labcorp
Classification: Uncertain significance. Last evaluated: 2025-08-27. Review status: criteria provided, single submitter. Criteria: Invitae Variant Classification Sherloc (09022015). Collection method: clinical testing. Allele origin: germline.
Comment: This sequence change replaces arginine, which is basic and polar, with tryptophan, which is neutral and slightly polar, at codon 1036 of the REST protein (p.Arg1036Trp). This variant is present in population databases (rs201033957, gnomAD 0.02%). This variant has not been reported in the literature in individuals affected with REST-related conditions. ClinVar contains an entry for this variant (Variation ID: 2911591). An algorithm developed to predict the effect of missense changes on protein structure and function (PolyPhen-2) suggests that this variant is likely to be disruptive. In summary, the available evidence is currently insufficient to determine the role of this variant in disease. Therefore, it has been classified as a Variant of Uncertain Significance.